The following is an entry in ClinVar:

NM_001206927.2(DNAH8):c.3150+1G>A

Gene: DNAH8 (dynein axonemal heavy chain 8; plus strand). Cytogenetic location: 6p21.2.
Variant type: single nucleotide variant.
Coding change: c.3150+1G>A on transcript NM_001206927.2 (MANE Select); the canonical splice donor site of the intron after coding-DNA position 3150, G replaced by A.
Molecular consequence: splice donor variant.
Genome position (GRCh38, 1-based): chr6:38,805,597, G>A. VCF-style: chr6-38805597-G-A. GRCh37 (hg19) VCF-style: chr6-38773373-G-A.
Other names: c.2499+1G>A (NM_001371.4).
Identifiers: ClinVar variation 2777049 (VCV002777049.3), dbSNP rs753024616, ClinGen allele CA3788733.
Genomic context (GRCh38, chr6:38,805,597, plus strand): 5'-TATGAAGCTAATATTGTGAATGAGTTTGATACTCATGATAAAGAAGATGAATTTAAAAAG[G>A]TATTTATTGTGGAACAACTTCATGCAATTCACAGAATTATGGTTTATAGGATTATAGATA-3'

ClinVar aggregate classification (germline): Likely pathogenic (1 of 4 stars; one submission).

Conditions:
Primary ciliary dyskinesia. Also called: Ciliary dyskinesia. Identifiers: Orphanet 244, MedGen C0008780, MONDO:0016575, HP:0012265.

Allele frequency attached by ClinVar (database versions not stated): gnomAD exomes below 0.00001; ExAC 0.00001.
gnomAD v4.1: 6 of 1,484,756 alleles (0.0004%); highest among the groups gnomAD compares: South Asian, 0.0057%; no homozygotes.

Submission:

Labcorp Genetics (formerly Invitae), Labcorp
Classification: Likely pathogenic for Primary ciliary dyskinesia. Last evaluated: 2024-01-14. Review status: criteria provided, single submitter. Criteria: Invitae Variant Classification Sherloc (09022015). Collection method: clinical testing. Allele origin: germline.
Comment: This sequence change affects a donor splice site in intron 23 of the DNAH8 gene. It is expected to disrupt RNA splicing. Variants that disrupt the donor or acceptor splice site typically lead to a loss of protein function (PMID: 16199547), and loss-of-function variants in DNAH8 are known to be pathogenic (PMID: 24307375, 32619401, 32681648). This variant is present in population databases (rs753024616, gnomAD 0.01%). This variant has not been reported in the literature in individuals affected with DNAH8-related conditions. Algorithms developed to predict the effect of sequence changes on RNA splicing suggest that this variant may disrupt the consensus splice site. In summary, the currently available evidence indicates that the variant is pathogenic, but additional data are needed to prove that conclusively. Therefore, this variant has been classified as Likely Pathogenic.

Literature cited by the submitters: PubMed 16199547; PubMed 24307375; PubMed 32619401; PubMed 32681648.